The following is an entry in ClinVar:

NM_022437.3(ABCG8):c.1083G>A (p.Trp361Ter)

Gene: ABCG8 (ATP binding cassette subfamily G member 8; plus strand). Cytogenetic location: 2p21.
Variant type: single nucleotide variant.
Coding change: c.1083G>A on transcript NM_022437.3 (MANE Select); coding-DNA position 1083, G replaced by A.
Protein change: p.Trp361Ter; replaces tryptophan 361 with a stop codon.
Molecular consequence: nonsense.
Genome position (GRCh38, 1-based): chr2:43,872,094, G>A. VCF-style: chr2-43872094-G-A. GRCh37 (hg19) VCF-style: chr2-44099233-G-A.
Other names: p.Trp361*; c.1083G>A, p.Trp361Ter (NM_001357321.2); short protein forms W361*.
Identifiers: ClinVar variation 4967 (VCV000004967.50), dbSNP rs137852987, ClinGen allele CA253359.

ClinVar aggregate classification (germline): Pathogenic/Likely pathogenic. Review status: criteria provided, multiple submitters, no conflicts (2 of 4 stars). 22 submissions from 22 submitters: Pathogenic (15); Likely pathogenic (2). 5 of the submissions do not count toward it. Last evaluated 2026-07-16.

Conditions:
ABCG8-related disorder. Also called: ABCG8-related condition.
Gallbladder disease 4 (GBD4). Identifiers: MedGen C1969115, MONDO:1010151, OMIM 611465.
Sitosterolemia 1. Identifiers: MedGen C2749759, MONDO:0020747, OMIM 210250.
Cardiovascular phenotype. Identifiers: MedGen CN230736.
Sitosterolemia (STSL). Also called: PHYTOSTEROLEMIA. Identifiers: Orphanet 2882, MedGen C0342907, MONDO:0008863.

Allele frequency attached by ClinVar (database versions not stated): TOPMed 0.00065; gnomAD 0.00102.
gnomAD v4.1: 1,527 of 1,614,050 alleles (0.095%); highest among the groups gnomAD compares: Non-Finnish European, 0.11%; 3 homozygotes.

Submissions 1 to 15 of 22:

Clinical Genetics Laboratory, Skane University Hospital Lund
Classification: Pathogenic for Sitosterolemia 1. Last evaluated: 2026-07-16. Review status: criteria provided, single submitter. Criteria: ACMG Guidelines, 2015. Collection method: clinical testing. Allele origin: germline. Inheritance: Autosomal recessive inheritance. Affected: yes.
Comment: ACMG criteria used: PVS1, PP1, PP4_Moderate.

Ambry Genetics
Classification: Pathogenic for Cardiovascular phenotype. Last evaluated: 2026-05-26. Review status: criteria provided, single submitter. Criteria: Ambry Variant Classification Scheme 2023. Collection method: clinical testing. Allele origin: germline.
Comment: The c.1083G>A (p.W361*) alteration, located in exon 7 (coding exon 7) of the ABCG8 gene, consists of a G to A substitution at nucleotide position 1083. This changes the amino acid from a tryptophan (W) to a stop codon at amino acid position 361. This variant is expected to result in loss of function by premature protein truncation or nonsense-mediated mRNA decay. Based on data from gnomAD, the A allele has an overall frequency of 0.094% (265/282710) total alleles studied. The highest observed frequency was 0.255% (64/25124) of European (Finnish) alleles. This variant has been identified in the homozygous state and/or in conjunction with other ABCG8 variant(s) in individual(s) with features consistent with sitosterolemia; in at least one instance, the variants were identified in trans (Berge, 2000; Lu, 2001; Heimerl, 2002; Rees, 2005; Hansel, 2014; Buonuomo, 2017). Based on the available evidence, this alteration is classified as pathogenic.

Labcorp Genetics (formerly Invitae), Labcorp
Classification: Pathogenic. Last evaluated: 2026-01-25. Review status: criteria provided, single submitter. Criteria: Invitae Variant Classification Sherloc (09022015). Collection method: clinical testing. Allele origin: germline.
Comment: This sequence change creates a premature translational stop signal (p.Trp361*) in the ABCG8 gene. It is expected to result in an absent or disrupted protein product. Loss-of-function variants in ABCG8 are known to be pathogenic (PMID: 11452359, 15375183, 16029460). This variant is present in population databases (rs137852987, gnomAD 0.3%), and has an allele count higher than expected for a pathogenic variant. This premature translational stop signal has been observed in individual(s) with sitosterolemia (PMID: 11099417, 12124998, 16029460, 24657386, 28521186). ClinVar contains an entry for this variant (Variation ID: 4967). For these reasons, this variant has been classified as Pathogenic.

Mayo Clinic Laboratories, Mayo Clinic
Classification: Pathogenic. Last evaluated: 2025-12-07. Review status: criteria provided, single submitter. Criteria: ACMG Guidelines, 2015. Collection method: clinical testing. Allele origin: germline. Observed: 7 variant alleles.
Comment: PM3_strong, PVS1

Institute of Human Genetics, University of Leipzig Medical Center
Classification: Pathogenic for Sitosterolemia 1. Last evaluated: 2025-04-29. Review status: criteria provided, single submitter. Criteria: ACMG Guidelines, 2015. Collection method: clinical testing. Allele origin: unknown. Inheritance: Autosomal recessive inheritance. Affected: yes.
Comment: Criteria applied: PVS1,PM3_VSTR,PP4

Molecular Diagnostic Laboratory for Inherited Cardiovascular Disease, Montreal Heart Institute
Classification: Pathogenic for Cardiovascular phenotype. Last evaluated: 2025-01-14. Review status: criteria provided, single submitter. Criteria: ACMG Guidelines, 2015. Collection method: clinical testing. Allele origin: germline. Affected: yes.
Comment: PVS1, PS4, PM2, PM3, PP1

Blueprint Genetics
Classification: Pathogenic for ABCG8-related disorders. Last evaluated: 2024-11-25. Review status: criteria provided, single submitter. Criteria: ACMG Guidelines, 2015. Collection method: clinical testing. Allele origin: de novo. Affected: yes. Observed: 5 variant alleles.

Revvity Omics, Revvity
Classification: Pathogenic for Sitosterolemia 1. Last evaluated: 2024-08-01. Review status: criteria provided, single submitter. Criteria: ACMG Guidelines, 2015. Collection method: clinical testing. Allele origin: germline.

Dasa
Classification: Pathogenic. Last evaluated: 2024-06-17. Review status: criteria provided, single submitter. Criteria: DASA Assertion Criteria. Collection method: clinical testing. Allele origin: germline.
Comment: NM_022437.3(ABCG8):c.1083G>A (p.Trp361*) introduces a premature termination codon predicted to result in loss of normal protein function. Loss-of-function is an established mechanism of disease for this gene. This variant has been reported in individuals with related phenotype. This variant has been observed in affected individuals with related phenotype in a genotype context consistent with recessive disease. The variant is present at low frequency in population datasets. Based on the available data, this variant is classified as pathogenic.

Genetics and Molecular Pathology, SA Pathology
Classification: Likely pathogenic for Sitosterolemia 1. Last evaluated: 2023-03-22. Review status: criteria provided, single submitter. Criteria: ACMG Guidelines, 2015. Collection method: clinical testing. Allele origin: germline. Inheritance: Autosomal recessive inheritance. Affected: yes.
Comment: The ABCG8 c.1083G>A variant is classified as Likely Pathogenic (PVS1, PM3) The ABCG8 c.1083G>A variant is a single nucleotide change which is predicted to result in premature termination of the protein product at codon 361 (PVS1). This variant has been detected in trans with a pathogenic variant or as homozygous in many affected patients (PMID:16029460, 11099417, 11452359) (PM3). The variant has been reported in dbSNP (rs137852987) and as disease causing in the HGMD database (CM003582). It has been reported as Pathogenic/Likely pathogenic by other diagnostic laboratories (ClinVar Variation ID: 4967). This variant has been reported in population databases (gnomAD 124/152220 alleles, 0 homs, total allele frequency 0.081%, highest allele frequency 0.28% in European non-Finnish).

GeneDx
Classification: Pathogenic. Last evaluated: 2023-02-24. Review status: criteria provided, single submitter. Criteria: GeneDx Variant Classification Process June 2021. Collection method: clinical testing. Allele origin: germline. Affected: yes.
Comment: Nonsense variant predicted to result in protein truncation or nonsense mediated decay in a gene for which loss of function is a known mechanism of disease; This variant is associated with the following publications: (PMID: 16029460, 12124998, 31980526, 11099417, 24657386, 28521186, 31589614, 33269076, 31345219, 35096999, 11452359, 32088153)

Women's Health and Genetics/Laboratory Corporation of America, LabCorp
Classification: Pathogenic for Sitosterolemia 1. Last evaluated: 2022-03-04. Review status: criteria provided, single submitter. Criteria: LabCorp Variant Classification Summary - May 2015. Collection method: clinical testing. Allele origin: germline.
Comment: Variant summary: ABCG8 c.1083G>A (p.Trp361X) results in a premature termination codon, predicted to cause a truncation of the encoded protein or absence of the protein due to nonsense mediated decay, which are commonly known mechanisms for disease. Truncations downstream of this position have been associated with Sitosterolemia in HGMD. The variant allele was found at a frequency of 0.00093 in 251300 control chromosomes (gnomAD). c.1083G>A has been reported in the literature in multiple individuals affected with Sitosterolemia (example: Lu_2001). These data indicate that the variant is very likely to be associated with disease. Six clinical diagnostic laboratories have submitted clinical-significance assessments for this variant to ClinVar after 2014 and laboratories classified the variant as pathogenic (n=5) and likely pathogenic (n=1). Based on the evidence outlined above, the variant was classified as pathogenic.

AiLife Diagnostics
Classification: Pathogenic. Last evaluated: 2022-01-28. Review status: criteria provided, single submitter. Criteria: ACMG Guidelines, 2015. Collection method: clinical testing. Allele origin: germline. Affected: yes. Observed: 10 variant alleles.

Institute for Clinical Genetics, University Hospital TU Dresden, University Hospital TU Dresden
Classification: Likely pathogenic. Last evaluated: 2021-11-03. Review status: criteria provided, single submitter. Criteria: ACMG Guidelines, 2015. Collection method: clinical testing. Allele origin: germline.

Fulgent Genetics
Classification: Pathogenic for Sitosterolemia 1; Gallbladder disease 4. Last evaluated: 2021-11-01. Review status: criteria provided, single submitter. Criteria: ACMG Guidelines, 2015. Collection method: clinical testing. Allele origin: unknown.